The following is an entry in ClinVar:

ClinVar aggregate classification (germline): Conflicting classifications of pathogenicity. Review status: criteria provided, conflicting classifications (1 of 4 stars). 3 submissions from 3 submitters: Uncertain significance (2); Likely benign (1). Last evaluated 2024-08-26.

Conditions:
Hereditary breast ovarian cancer syndrome. Also called: Hereditary breast and ovarian cancer; Hereditary breast and ovarian cancer syndrome (HBOC); Breast and ovarian cancer; Hereditary breast and ovarian cancer syndrome; BRCA1- and BRCA2-Associated Hereditary Breast and Ovarian Cancer; Hereditary breast and/or ovarian cancer syndrome. Identifiers: Orphanet 145, MedGen C0677776, MeSH D061325, MONDO:0003582. Disease mechanism: loss of function.
Hereditary cancer-predisposing syndrome. Also called: Tumor predisposition; Neoplastic Syndromes, Hereditary; Hereditary neoplastic syndrome; Hereditary Cancer Syndrome. Identifiers: Orphanet 140162, MedGen C0027672, MeSH D009386, MONDO:0015356.

Submissions (3):

Ambry Genetics
Classification: Likely benign for Hereditary cancer-predisposing syndrome. Last evaluated: 2024-08-26. Review status: criteria provided, single submitter. Criteria: Ambry Variant Classification Scheme 2023. Collection method: clinical testing. Allele origin: germline.

Labcorp Genetics (formerly Invitae), Labcorp
Classification: Uncertain significance for Hereditary breast ovarian cancer syndrome. Last evaluated: 2024-04-15. Review status: criteria provided, single submitter. Criteria: Invitae Variant Classification Sherloc (09022015). Collection method: clinical testing. Allele origin: germline.
Comment: This sequence change replaces isoleucine, which is neutral and non-polar, with threonine, which is neutral and polar, at codon 3224 of the BRCA2 protein (p.Ile3224Thr). This variant is not present in population databases (gnomAD no frequency). This variant has not been reported in the literature in individuals affected with BRCA2-related conditions. ClinVar contains an entry for this variant (Variation ID: 631336). Advanced modeling of protein sequence and biophysical properties (such as structural, functional, and spatial information, amino acid conservation, physicochemical variation, residue mobility, and thermodynamic stability) performed at Invitae indicates that this missense variant is not expected to disrupt BRCA2 protein function with a negative predictive value of 95%. In summary, the available evidence is currently insufficient to determine the role of this variant in disease. Therefore, it has been classified as a Variant of Uncertain Significance.

Color Diagnostics, LLC DBA Color Health
Classification: Uncertain significance for Hereditary cancer-predisposing syndrome. Last evaluated: 2019-04-19. Review status: criteria provided, single submitter. Criteria: ACMG Guidelines, 2015. Collection method: clinical testing. Allele origin: germline.

NM_000059.4(BRCA2):c.9671T>C (p.Ile3224Thr)

Gene: BRCA2 (BRCA2 DNA repair associated; plus strand). Cytogenetic location: 13q13.1.
Variant type: single nucleotide variant.
Coding change: c.9671T>C on transcript NM_000059.4 (MANE Select); coding-DNA position 9671, T replaced by C.
Protein change: p.Ile3224Thr; replaces isoleucine 3224 with threonine.
Molecular consequence: missense variant.
Genome position (GRCh38, 1-based): chr13:32,398,184, T>C. VCF-style: chr13-32398184-T-C. GRCh37 (hg19) VCF-style: chr13-32972321-T-C.
Other names: short protein forms I3224T.
Identifiers: ClinVar variation 631336 (VCV000631336.13), dbSNP rs1566260766, ClinGen allele CA387765186.